The following is an entry in ClinVar:

NM_000090.4(COL3A1):c.2608-19A>C

Gene: COL3A1 (collagen type III alpha 1 chain; plus strand). Cytogenetic location: 2q32.2.
Variant type: single nucleotide variant.
Coding change: c.2608-19A>C on transcript NM_000090.4 (MANE Select); 19 bases into the intron before coding-DNA position 2608, A replaced by C.
Molecular consequence: intron variant.
Genome position (GRCh38, 1-based): chr2:189,003,715, A>C. VCF-style: chr2-189003715-A-C. GRCh37 (hg19) VCF-style: chr2-189868441-A-C.
Identifiers: ClinVar variation 676633 (VCV000676633.9), dbSNP rs372917900, ClinGen allele CA2021754.
Genomic context (GRCh38, chr2:189,003,715, plus strand): 5'-GCCACACATTATACTTTTTGTTTGTTGTACAGTTATTTGTTCTACTTTTGAAATTCAAAA[A>C]TATATTACCATTTCACAGGGTGCTGCTGGCTTCCCTGGTGCTCGTGGTCTTCCTGGTCCT-3'

ClinVar aggregate classification (germline): Likely benign. Review status: criteria provided, multiple submitters, no conflicts (2 of 4 stars). 2 submissions from 2 submitters: Likely benign (2). Last evaluated 2026-01-07.

Conditions:
Ehlers-Danlos syndrome, type 4 (EDSVASC). Also called: Ehlers-Danlos syndrome vascular type; Ehlers Danlos syndrome, ecchymotic type; Ehlers Danlos syndrome, arterial type; Ehlers Danlos syndrome, Sack-Barabas type; Ehlers-Danlos Syndrome Type IV. Identifiers: Orphanet 286, MedGen C0268338, MONDO:0017314, OMIM 130050.

Allele frequency attached by ClinVar (database versions not stated): gnomAD 0.00003; gnomAD exomes 0.00003; TOPMed 0.00004; ExAC 0.00005; ESP Exome Variant Server 0.00008.
gnomAD v4.1: 33 of 1,613,592 alleles (0.002%); highest among the groups gnomAD compares: Non-Finnish European, 0.0026%; no homozygotes.

Submissions (2):

Labcorp Genetics (formerly Invitae), Labcorp
Classification: Likely benign for Ehlers-Danlos syndrome, type 4. Last evaluated: 2026-01-07. Review status: criteria provided, single submitter. Criteria: Invitae Variant Classification Sherloc (09022015). Collection method: clinical testing. Allele origin: germline.

GeneDx
Classification: Likely benign. Last evaluated: 2018-05-15. Review status: criteria provided, single submitter. Criteria: GeneDx Variant Classification (06012015). Collection method: clinical testing. Allele origin: germline. Affected: yes.
Comment: This variant is considered likely benign or benign based on one or more of the following criteria: it is a conservative change, it occurs at a poorly conserved position in the protein, it is predicted to be benign by multiple in silico algorithms, and/or has population frequency not consistent with disease.